The following is an entry in ClinVar:

NM_001754.5(RUNX1):c.1232C>T (p.Ala411Val)

Gene: RUNX1 (RUNX family transcription factor 1; minus strand). Cytogenetic location: 21q22.12.
Variant type: single nucleotide variant.
Coding change: c.1232C>T on transcript NM_001754.5 (MANE Select); coding-DNA position 1232, C replaced by T.
Protein change: p.Ala411Val; replaces alanine 411 with valine.
Molecular consequence: missense variant.
Genome position (GRCh38, 1-based): chr21:34,792,346, G>A on the plus strand (C>T on the coding strand, the complement: RUNX1 is on the minus strand). VCF-style: chr21-34792346-G-A. GRCh37 (hg19) VCF-style: chr21-36164643-G-A.
Other names: NM_001754.5(RUNX1):c.1232C>T; p.Ala411Val; c.1151C>T, p.Ala384Val (NM_001001890.3); short protein forms A411V, A384V.
Identifiers: ClinVar variation 663181 (VCV000663181.10), dbSNP rs1233174774, ClinGen allele CA410147722.

ClinVar aggregate classification (germline): Uncertain significance. Review status: reviewed by expert panel (3 of 4 stars). 3 submissions from 3 submitters: Uncertain significance (1). 2 of the submissions do not count toward it. Last evaluated 2024-10-29.

Conditions:
Inborn genetic diseases. Identifiers: MedGen C0950123, MeSH D030342.
Hereditary thrombocytopenia and hematologic cancer predisposition syndrome. Identifiers: Orphanet 71290, MedGen CN281654, MONDO:0011071.
Hereditary thrombocytopenia and hematological cancer predisposition syndrome associated with RUNX1. Also called: Familial Platelet Disorder with Propensity to Acute Myelogenous Leukemia; Familial thrombocytopenia with propensity to acute myelogenous leukemia; RUNX1 Familial Platelet Disorder with Associated Myeloid Malignancies; PLATELET DISORDER, ASPIRIN-LIKE. Identifiers: Orphanet 71290, MedGen C1832388, MeSH C563324, MONDO:0100083, OMIM 601399.

Allele frequency attached by ClinVar (database versions not stated): gnomAD exomes below 0.00001.
gnomAD v4.1: 1 of 1,556,288 alleles (0.000064%); highest among the groups gnomAD compares: Admixed American, 0.002%; no homozygotes.

Submissions (3):

ClinGen Myeloid Malignancy Variant Curation Expert Panel
Classification: Uncertain significance for Hereditary thrombocytopenia and hematologic cancer predisposition syndrome. Last evaluated: 2024-10-29. Review status: reviewed by expert panel. Criteria: ClinGen MyeloMalig ACMG Specifications v2. Collection method: curation. Allele origin: germline. Inheritance: Autosomal dominant inheritance.
Comment: NM_001754.5(RUNX1):c.1232C>T (p.Ala411Val) is a missense variant which has a REVEL score < 0.50 (0.296) and a SpliceAI score ≤ 0.20 (0.0) (BP4). In summary, the clinical significance of this variant is uncertain. ACMG/AMP criteria applied, as specified by the Myeloid Malignancy Variant Curation Expert Panel for RUNX1: BP4.

Ambry Genetics
Classification: Uncertain significance for Inborn genetic diseases. Last evaluated: 2026-03-16. Review status: criteria provided, single submitter. Criteria: Ambry Variant Classification Scheme 2023. Collection method: clinical testing. Allele origin: germline. Not counted in ClinVar's aggregate classification.
Comment: The p.A411V variant (also known as c.1232C>T), located in coding exon 8 of the RUNX1 gene, results from a C to T substitution at nucleotide position 1232. The alanine at codon 411 is replaced by valine, an amino acid with similar properties. This amino acid position is well conserved in available vertebrate species. In addition, this alteration is predicted to be tolerated by in silico analysis. Based on the available evidence, the clinical significance of this variant remains unclear.

Labcorp Genetics (formerly Invitae), Labcorp
Classification: Uncertain significance for Hereditary thrombocytopenia and hematological cancer predisposition syndrome associated with RUNX1. Last evaluated: 2025-01-27. Review status: criteria provided, single submitter. Criteria: Invitae Variant Classification Sherloc (09022015). Collection method: clinical testing. Allele origin: germline. Not counted in ClinVar's aggregate classification.
Comment: This sequence change replaces alanine, which is neutral and non-polar, with valine, which is neutral and non-polar, at codon 411 of the RUNX1 protein (p.Ala411Val). This variant is not present in population databases (gnomAD no frequency). This variant has not been reported in the literature in individuals affected with RUNX1-related conditions. ClinVar contains an entry for this variant (Variation ID: 663181). Invitae Evidence Modeling of protein sequence and biophysical properties (such as structural, functional, and spatial information, amino acid conservation, physicochemical variation, residue mobility, and thermodynamic stability) has been performed for this missense variant. However, the output from this modeling did not meet the statistical confidence thresholds required to predict the impact of this variant on RUNX1 protein function. In summary, the available evidence is currently insufficient to determine the role of this variant in disease. Therefore, it has been classified as a Variant of Uncertain Significance.